The following is an entry in ClinVar:

ClinVar aggregate classification (germline): Uncertain significance (1 of 4 stars; one submission).

Conditions:
Pyogenic bacterial infections due to MyD88 deficiency (IMD68). Also called: PYOGENIC BACTERIAL INFECTIONS, RECURRENT, DUE TO MYD88 DEFICIENCY. Identifiers: Orphanet 183713, MedGen C2677092, MONDO:0012839, OMIM 612260.

Allele frequency attached by ClinVar (database versions not stated): ExAC 0.00001.

Submission:

Labcorp Genetics (formerly Invitae), Labcorp
Classification: Uncertain significance for Pyogenic bacterial infections due to MyD88 deficiency. Last evaluated: 2022-06-18. Review status: criteria provided, single submitter. Criteria: Invitae Variant Classification Sherloc (09022015). Collection method: clinical testing. Allele origin: germline.
Comment: In summary, the available evidence is currently insufficient to determine the role of this variant in disease. Therefore, it has been classified as a Variant of Uncertain Significance. Algorithms developed to predict the effect of missense changes on protein structure and function (SIFT, PolyPhen-2, Align-GVGD) all suggest that this variant is likely to be tolerated. This variant has not been reported in the literature in individuals affected with MYD88-related conditions. This variant is present in population databases (rs750337749, gnomAD 0.0009%). This sequence change replaces methionine, which is neutral and non-polar, with valine, which is neutral and non-polar, at codon 67 of the MYD88 protein (p.Met67Val).

NM_002468.5(MYD88):c.160A>G (p.Met54Val)

Gene: MYD88 (MYD88 innate immune signal transduction adaptor; plus strand). Cytogenetic location: 3p22.2.
Variant type: single nucleotide variant.
Coding change: c.160A>G on transcript NM_002468.5 (MANE Select); coding-DNA position 160, A replaced by G.
Protein change: p.Met54Val; replaces methionine 54 with valine.
Molecular consequence: missense variant.
Genome position (GRCh38, 1-based): chr3:38,138,860, A>G. VCF-style: chr3-38138860-A-G. GRCh37 (hg19) VCF-style: chr3-38180351-A-G.
Other names: c.160A>G, p.Met54Val (NM_001172566.2, NM_001172567.2, NM_001172568.2 and 4 more transcripts); short protein forms M54V, M67V.
Identifiers: ClinVar variation 2007888 (VCV002007888.4), dbSNP rs750337749, ClinGen allele CA2316044.